The following is an entry in ClinVar:

NR_003051.4(RMRP):n.177G>A

Gene: RMRP (RNA component of mitochondrial RNA processing endoribonuclease; minus strand). Cytogenetic location: 9p13.3.
Variant type: single nucleotide variant.
Genome position: GRCh38 VCF-style: chr9-35657843-C-T. GRCh37 (hg19) VCF-style: chr9-35657840-C-T.
Identifiers: ClinVar variation 533773 (VCV000533773.16), dbSNP rs377566038, ClinGen allele CA5045827.

ClinVar aggregate classification (germline): Benign. Review status: reviewed by expert panel (3 of 4 stars). 4 submissions from 4 submitters: Benign (1). 3 of the submissions do not count toward it. Last evaluated 2026-08-26.

Conditions:
Metaphyseal chondrodysplasia, McKusick type (CHH). Also called: Cartilage-hair hypoplasia; Cartilage-Hair Hypoplasia (CHH). Identifiers: Orphanet 175, MedGen C0220748, MONDO:0009595, OMIM 250250.
Anauxetic dysplasia. Identifiers: Orphanet 93347, MedGen C1846796, MONDO:0011773.

Allele frequency attached by ClinVar (database versions not stated): ExAC 0.00028; gnomAD exomes 0.00034 and 0.00082; gnomAD 0.00039 and 0.00054; TOPMed 0.00041; 1000 Genomes Project 0.00419; 1000 Genomes Project 30x 0.00422.
gnomAD v4.1: 289 of 700,470 alleles (0.041%); highest among the groups gnomAD compares: East Asian, 0.47%; no homozygotes.

Submissions (4):

ClinGen Severe Combined Immunodeficiency Variant Curation Expert Panel, ClinGen
Classification: Benign for Metaphyseal chondrodysplasia, McKusick type. Last evaluated: 2026-08-26. Review status: reviewed by expert panel. Criteria: ClinGen SCID ACMG Specifications RMRP V1.3. Collection method: curation. Allele origin: germline. Inheritance: Autosomal recessive inheritance.
Comment: The NC_000009.12:g.35657843C>T variant is also known as NR_003051.4:n.177G>A or RMRP n.176G>A, in RMRP gene. The Grpmax filtering allele frequency of this variant in gnomAD v4.1.1 (East Asian population) is 0.004176, which is higher than the ClinGen SCID VCEP threshold (>0.00400) for BA1, and therefore meets this criterion (BA1). Therefore, this variant is classified as benign for autosomal recessive cartilage-hair hypoplasia based on the ACMG/AMP criteria applied, as specified by the ClinGen SCID VCEP: BA1. (VCEP specifications version 1.3.0) [Evidences: BA1]

Labcorp Genetics (formerly Invitae), Labcorp
Classification: Likely benign for Anauxetic dysplasia. Last evaluated: 2026-02-04. Review status: criteria provided, single submitter. Criteria: Invitae Variant Classification Sherloc (09022015). Collection method: clinical testing. Allele origin: germline. Not counted in ClinVar's aggregate classification.

Blueprint Genetics
Classification: Likely benign. Last evaluated: 2024-10-30. Review status: criteria provided, single submitter. Criteria: ACMG Guidelines, 2015. Collection method: clinical testing. Allele origin: germline. Not counted in ClinVar's aggregate classification.

Women's Health and Genetics/Laboratory Corporation of America, LabCorp
Classification: Benign. Last evaluated: 2022-03-13. Review status: criteria provided, single submitter. Criteria: LabCorp Variant Classification Summary - May 2015. Collection method: clinical testing. Allele origin: germline. Not counted in ClinVar's aggregate classification.
Comment: Variant summary: RMRP n.176G>A alters a conserved nucleotide in the non-coding RNA. The variant allele was found at a frequency of 0.00082 in 130430 control chromosomes, predominantly at a frequency of 0.0088 within the East Asian subpopulation in the gnomAD database. The observed variant frequency within East Asian control individuals in the gnomAD database is approximately 1.2 fold of the estimated maximal expected allele frequency for a pathogenic variant in RMRP causing Cartilage-Hair Hypoplasia phenotype (0.0072), strongly suggesting that the variant is a benign polymorphism found primarily in populations of East Asian origin. To our knowledge, no occurrence of n.176G>A in individuals affected with Cartilage-Hair Hypoplasia and no experimental evidence demonstrating its impact on protein function have been reported. One clinical diagnostic laboratory has submitted clinical-significance assessments for this variant to ClinVar after 2014 without evidence for independent evaluation and classified the variant as likely benign. Based on the evidence outlined above, the variant was classified as benign.

Literature cited by the submitters: PubMed 17489853 (cited by Women's Health and Genetics/Laboratory Corporation of America, LabCorp).